The following is an entry in ClinVar:

NM_015103.3(PLXND1):c.5387C>T (p.Ser1796Leu)

Genes: PLXND1 (plexin D1; minus strand), LOC112872301 (Sharpr-MPRA regulatory region 1469; plus strand). Cytogenetic location: 3q22.1.
Variant type: single nucleotide variant.
Coding change: c.5387C>T on transcript NM_015103.3 (MANE Select); coding-DNA position 5387, C replaced by T.
Protein change: p.Ser1796Leu; replaces serine 1796 with leucine.
Molecular consequence: missense variant.
Genome position (GRCh38, 1-based): chr3:129,558,486, G>A on the plus strand (C>T on the coding strand, the complement: PLXND1 is on the minus strand). VCF-style: chr3-129558486-G-A. GRCh37 (hg19) VCF-style: chr3-129277329-G-A.
Other names: short protein forms S1796L.
Identifiers: ClinVar variation 4083414 (VCV004083414.1).
Genomic context (GRCh38, chr3:129,558,486, plus strand): 5'-ACCTTGCCCAGCTGCAGGTCAGAGATGGAGCAGGCGTCGATGAAGGCCTGCGCGATGACT[G>A]AAAGGCAGGCGTCGATGTGGTCTGTCTTGTCGATGTCAAAGACAAACTGGGGGTTCTTCA-3'
Protein context (NP_055918.3, residues 1786-1806): DKTDHIDACL[Ser1796Leu]VIAQAFIDAC

ClinVar aggregate classification (germline): Uncertain significance (1 of 4 stars; one submission).

Submission:

GeneDx
Classification: Uncertain significance. Last evaluated: 2025-03-12. Review status: criteria provided, single submitter. Criteria: GeneDx Variant Classification Process June 2021. Collection method: clinical testing. Allele origin: germline. Affected: yes.
Comment: Has not been previously published as pathogenic or benign to our knowledge; In silico analysis supports that this missense variant has a deleterious effect on protein structure/function; Not observed at significant frequency in large population cohorts (gnomAD)